The following is an entry in ClinVar:

ClinVar aggregate classification (germline): Uncertain significance (1 of 4 stars; one submission).

Conditions:
Breast-ovarian cancer, familial, susceptibility to, 4. Identifiers: Orphanet 145, MedGen C3280345, MONDO:0013669, OMIM 614291.

Submission:

Labcorp Genetics (formerly Invitae), Labcorp
Classification: Uncertain significance for Breast-ovarian cancer, familial, susceptibility to, 4. Last evaluated: 2025-09-23. Review status: criteria provided, single submitter. Criteria: Invitae Variant Classification Sherloc (09022015). Collection method: clinical testing. Allele origin: germline.
Comment: This sequence change replaces glycine, which is neutral and non-polar, with valine, which is neutral and non-polar, at codon 218 of the RAD51D protein (p.Gly218Val). This variant is not present in population databases (gnomAD no frequency). This variant has not been reported in the literature in individuals affected with RAD51D-related conditions. Invitae Evidence Modeling of protein sequence and biophysical properties (such as structural, functional, and spatial information, amino acid conservation, physicochemical variation, residue mobility, and thermodynamic stability) indicates that this missense variant is not expected to disrupt RAD51D protein function with a negative predictive value of 80%. In summary, the available evidence is currently insufficient to determine the role of this variant in disease. Therefore, it has been classified as a Variant of Uncertain Significance.

NM_002878.4(RAD51D):c.653G>T (p.Gly218Val)

Genes: RAD51L3-RFFL (RAD51L3-RFFL readthrough; minus strand), RAD51D (RAD51 paralog D; minus strand). Cytogenetic location: 17q12.
Variant type: single nucleotide variant.
Coding change: c.653G>T on transcript NM_002878.4 (MANE Select); coding-DNA position 653, G replaced by T.
Protein change: p.Gly218Val; replaces glycine 218 with valine.
Molecular consequence: missense variant. On other transcripts: non-coding transcript variant (3).
Genome position (GRCh38, 1-based): chr17:35,103,468, C>A on the plus strand (G>T on the coding strand, the complement: RAD51D is on the minus strand). VCF-style: chr17-35103468-C-A. GRCh37 (hg19) VCF-style: chr17-33430487-C-A.
Other names: c.713G>T, p.Gly238Val (NM_001142571.2); c.317G>T, p.Gly106Val (NM_133629.3); short protein forms G218V, G238V, G106V.
Identifiers: ClinVar variation 4743567 (VCV004743567.1).